The following is an entry in ClinVar:

ClinVar aggregate classification (germline): Uncertain significance (1 of 4 stars; one submission).

Conditions:
FBN2-related disorder. Also called: FBN2-related condition.

Allele frequency attached by ClinVar (database versions not stated): gnomAD exomes below 0.00001.
gnomAD v4.1: 1 of 1,614,110 alleles (0.000062%); highest among the groups gnomAD compares: Non-Finnish European, 0.000085%; no homozygotes.

Submission:

PreventionGenetics, part of Exact Sciences
Classification: Uncertain significance for FBN2-related condition. Last evaluated: 2023-08-21. Review status: criteria provided, single submitter. Criteria: ACMG Guidelines, 2015. Collection method: clinical testing. Allele origin: germline.
Comment: The FBN2 c.5023T>C variant is predicted to result in the amino acid substitution p.Cys1675Arg. To our knowledge, this variant has not been reported in the literature or in a large population database, indicating this variant is rare. At this time, the clinical significance of this variant is uncertain due to the absence of conclusive functional and genetic evidence.

NM_001999.4(FBN2):c.5023T>C (p.Cys1675Arg)

Gene: FBN2 (fibrillin 2; minus strand). Cytogenetic location: 5q23.3.
Variant type: single nucleotide variant.
Coding change: c.5023T>C on transcript NM_001999.4 (MANE Select); coding-DNA position 5023, T replaced by C.
Protein change: p.Cys1675Arg; replaces cysteine 1675 with arginine.
Molecular consequence: missense variant.
Genome position (GRCh38, 1-based): chr5:128,311,351, A>G on the plus strand (T>C on the coding strand, the complement: FBN2 is on the minus strand). VCF-style: chr5-128311351-A-G. GRCh37 (hg19) VCF-style: chr5-127647043-A-G.
Other names: short protein forms C1675R.
Identifiers: ClinVar variation 2631118 (VCV002631118.1), dbSNP rs2479740296, ClinGen allele CA360746075.